The following is an entry in ClinVar:

ClinVar aggregate classification (germline): Uncertain significance (1 of 4 stars; one submission).

Conditions:
Finnish congenital nephrotic syndrome (NPHS1). Also called: NEPHROTIC SYNDROME, TYPE 1. Identifiers: Orphanet 839, MedGen C0403399, MONDO:0009732, OMIM 256300.

Submission:

3billion
Classification: Uncertain significance for Finnish congenital nephrotic syndrome. Last evaluated: 2022-03-22. Review status: criteria provided, single submitter. Criteria: ACMG Guidelines, 2015. Collection method: clinical testing. Allele origin: germline. Affected: yes. Observed: 1 heterozygote.
Comment: The variant is not observed in the gnomAD v2.1.1 dataset. In silico tool predictions suggest damaging effect of the variant on gene or gene product (REVEL: 0.906>=0.6). Therefore, this variant is classified as uncertain significance according to the recommendation of ACMG/AMP guideline.

NM_004646.4(NPHS1):c.2765C>A (p.Ala922Asp)

Gene: NPHS1 (NPHS1 adhesion molecule, nephrin; minus strand). Cytogenetic location: 19q13.12.
Variant type: single nucleotide variant.
Coding change: c.2765C>A on transcript NM_004646.4 (MANE Select); coding-DNA position 2765, C replaced by A.
Protein change: p.Ala922Asp; replaces alanine 922 with aspartic acid.
Molecular consequence: missense variant.
Genome position (GRCh38, 1-based): chr19:35,841,765, G>T on the plus strand (C>A on the coding strand, the complement: NPHS1 is on the minus strand). VCF-style: chr19-35841765-G-T. GRCh37 (hg19) VCF-style: chr19-36332667-G-T.
Other names: short protein forms A922D.
Identifiers: ClinVar variation 1526224 (VCV001526224.1), dbSNP rs2146818958, ClinGen allele CA405389528.